The following is an entry in ClinVar:

NM_199420.4(POLQ):c.1199G>C (p.Gly400Ala)

Gene: POLQ (DNA polymerase theta; minus strand). Cytogenetic location: 3q13.33.
Variant type: single nucleotide variant.
Coding change: c.1199G>C on transcript NM_199420.4 (MANE Select); coding-DNA position 1199, G replaced by C.
Protein change: p.Gly400Ala; replaces glycine 400 with alanine.
Molecular consequence: missense variant.
Genome position (GRCh38, 1-based): chr3:121,522,059, C>G on the plus strand (G>C on the coding strand, the complement: POLQ is on the minus strand). VCF-style: chr3-121522059-C-G. GRCh37 (hg19) VCF-style: chr3-121240906-C-G.
Other names: short protein forms G400A.
Identifiers: ClinVar variation 1746710 (VCV001746710.2), dbSNP rs2546811605, ClinGen allele CA354121561.

ClinVar aggregate classification (germline): Uncertain significance (1 of 4 stars; one submission).

Submission:

Ambry Genetics
Classification: Uncertain significance. Last evaluated: 2022-07-27. Review status: criteria provided, single submitter. Criteria: Ambry Variant Classification Scheme 2023. Collection method: clinical testing. Allele origin: germline.
Comment: The p.G400A variant (also known as c.1199G>C), located in coding exon 8 of the POLQ gene, results from a G to C substitution at nucleotide position 1199. The glycine at codon 400 is replaced by alanine, an amino acid with similar properties. This amino acid position is conserved. In addition, this alteration is predicted to be tolerated by in silico analysis. Since supporting evidence is limited at this time, the clinical significance of this alteration remains unclear.